The following is an entry in ClinVar:

NM_003072.5(SMARCA4):c.1344C>T (p.Arg448=)

Gene: SMARCA4 (SWI/SNF related BAF chromatin remodeling complex subunit ATPase 4; plus strand). Cytogenetic location: 19p13.2.
Variant type: single nucleotide variant.
Coding change: c.1344C>T on transcript NM_003072.5 (MANE Select); coding-DNA position 1344, C replaced by T.
Protein change: p.Arg448=; no amino-acid change (arginine 448 retained).
Molecular consequence: synonymous variant. On other transcripts: non-coding transcript variant (1).
Genome position (GRCh38, 1-based): chr19:10,991,248, C>T. VCF-style: chr19-10991248-C-T. GRCh37 (hg19) VCF-style: chr19-11101924-C-T.
Other names: c.1344C>T, p.Arg448= (NM_001128844.3, NM_001128845.2, NM_001128846.2 and 5 more transcripts).
Identifiers: ClinVar variation 238371 (VCV000238371.22), dbSNP rs140328531, ClinGen allele CA9203756.

ClinVar aggregate classification (germline): Benign/Likely benign. Review status: criteria provided, multiple submitters, no conflicts (2 of 4 stars). 7 submissions from 7 submitters: Benign (2); Likely benign (4). 1 of the submissions does not count toward it. Last evaluated 2026-07-10.

Conditions:
SMARCA4-related disorder. Also called: SMARCA4-related condition.
Hereditary cancer-predisposing syndrome. Also called: Hereditary Cancer Syndrome; Tumor predisposition; Hereditary neoplastic syndrome; Neoplastic Syndromes, Hereditary. Identifiers: Orphanet 140162, MedGen C0027672, MeSH D009386, MONDO:0015356.
Rhabdoid tumor predisposition syndrome 2 (RTPS2). Identifiers: Orphanet 231108, Orphanet 69077, MedGen C2750074, MONDO:0013224, OMIM 613325.

Allele frequency attached by ClinVar (database versions not stated): 1000 Genomes Project 30x 0.00031; TOPMed 0.00017; ESP Exome Variant Server 0.00023; gnomAD exomes 0.00006; 1000 Genomes Project 0.00020.
gnomAD v4.1: 83 of 1,612,876 alleles (0.0051%); highest among the groups gnomAD compares: African/African-American, 0.047%; no homozygotes.

Submissions (7):

Myriad Genetics, Inc.
Classification: Benign for Rhabdoid tumor predisposition syndrome 2. Last evaluated: 2026-07-10. Review status: criteria provided, single submitter. Criteria: Myriad Autosomal Dominant, Autosomal Recessive and X-Linked Classification Criteria (2023). Collection method: clinical testing. Allele origin: unknown.
Comment: This variant is considered benign. This variant is a silent/synonymous amino acid change and it is not expected to impact splicing.

Labcorp Genetics (formerly Invitae), Labcorp
Classification: Likely benign for Rhabdoid tumor predisposition syndrome 2. Last evaluated: 2026-02-03. Review status: criteria provided, single submitter. Criteria: Invitae Variant Classification Sherloc (09022015). Collection method: clinical testing. Allele origin: germline.

Blueprint Genetics
Classification: Likely benign. Last evaluated: 2024-09-04. Review status: criteria provided, single submitter. Criteria: ACMG Guidelines, 2015. Collection method: clinical testing. Allele origin: germline.

Quest Diagnostics Nichols Institute San Juan Capistrano
Classification: Benign. Last evaluated: 2023-02-09. Review status: criteria provided, single submitter. Criteria: Quest Diagnostics criteria. Collection method: clinical testing. Allele origin: unknown.

Sema4
Classification: Likely benign for Hereditary cancer-predisposing syndrome. Last evaluated: 2021-03-24. Review status: criteria provided, single submitter. Criteria: Sema4 Curation Guidelines. Collection method: curation. Allele origin: germline.

Ambry Genetics
Classification: Likely benign for Hereditary cancer-predisposing syndrome. Last evaluated: 2015-07-01. Review status: criteria provided, single submitter. Criteria: Ambry Variant Classification Scheme 2023. Collection method: clinical testing. Allele origin: germline.

PreventionGenetics, part of Exact Sciences
Classification: Likely benign for SMARCA4-related condition. Last evaluated: 2021-12-28. Review status: no assertion criteria provided. Collection method: clinical testing. Allele origin: germline. Not counted in ClinVar's aggregate classification.
Comment: This variant is classified as likely benign based on ACMG/AMP sequence variant interpretation guidelines (Richards et al. 2015 PMID: 25741868, with internal and published modifications).